The following is an entry in ClinVar:

NM_032228.6(FAR1):c.791C>T (p.Thr264Ile)

Gene: FAR1 (fatty acyl-CoA reductase 1; plus strand). Cytogenetic location: 11p15.3.
Variant type: single nucleotide variant.
Coding change: c.791C>T on transcript NM_032228.6 (MANE Select); coding-DNA position 791, C replaced by T.
Protein change: p.Thr264Ile; replaces threonine 264 with isoleucine.
Molecular consequence: missense variant.
Genome position (GRCh38, 1-based): chr11:13,711,950, C>T. VCF-style: chr11-13711950-C-T. GRCh37 (hg19) VCF-style: chr11-13733497-C-T.
Other names: short protein forms T264I.
Identifiers: ClinVar variation 1396242 (VCV001396242.9), dbSNP rs144916080, ClinGen allele CA5893394.

ClinVar aggregate classification (germline): Uncertain significance. Review status: criteria provided, multiple submitters, no conflicts (2 of 4 stars). 2 submissions from 2 submitters: Uncertain significance (2). Last evaluated 2025-10-01.

Allele frequency attached by ClinVar (database versions not stated): gnomAD exomes 0.00002 and 0.00005; ExAC 0.00006; gnomAD 0.00008 and 0.00009; TOPMed 0.00009; ESP Exome Variant Server 0.00031.
gnomAD v4.1: 40 of 1,613,114 alleles (0.0025%); highest among the groups gnomAD compares: African/African-American, 0.027%; 1 homozygote.

Submissions (2):

Labcorp Genetics (formerly Invitae), Labcorp
Classification: Uncertain significance. Last evaluated: 2025-10-01. Review status: criteria provided, single submitter. Criteria: Invitae Variant Classification Sherloc (09022015). Collection method: clinical testing. Allele origin: germline.
Comment: This sequence change replaces threonine, which is neutral and polar, with isoleucine, which is neutral and non-polar, at codon 264 of the FAR1 protein (p.Thr264Ile). This variant is present in population databases (rs144916080, gnomAD 0.02%), including at least one homozygous and/or hemizygous individual. This variant has not been reported in the literature in individuals affected with FAR1-related conditions. ClinVar contains an entry for this variant (Variation ID: 1396242). Invitae Evidence Modeling of protein sequence and biophysical properties (such as structural, functional, and spatial information, amino acid conservation, physicochemical variation, residue mobility, and thermodynamic stability) indicates that this missense variant is not expected to disrupt FAR1 protein function with a negative predictive value of 80%. In summary, the available evidence is currently insufficient to determine the role of this variant in disease. Therefore, it has been classified as a Variant of Uncertain Significance.

Women's Health and Genetics/Laboratory Corporation of America, LabCorp
Classification: Uncertain significance. Last evaluated: 2025-07-09. Review status: criteria provided, single submitter. Criteria: LabCorp Variant Classification Summary - May 2015. Collection method: clinical testing. Allele origin: germline.
Comment: Variant summary: FAR1 c.791C>T (p.Thr264Ile) results in a non-conservative amino acid change in the encoded protein sequence. Algorithms developed to predict the effect of missense changes on protein structure and function are either unavailable or do not agree on the potential impact of this missense change. The variant allele was found at a frequency of 4.8e-05 in 250830 control chromosomes in the gnomAD database, including 1 homozygotes. This frequency is not significantly higher than estimated for a pathogenic variant in FAR1 causing FAR1-Related Disorders, allowing no conclusion about variant significance. To our knowledge, no occurrence of c.791C>T in individuals affected with FAR1-Related Disorders and no experimental evidence demonstrating its impact on protein function have been reported. ClinVar contains an entry for this variant (Variation ID: 1396242). Based on the evidence outlined above, the variant was classified as uncertain significance.